The following is an entry in ClinVar:

NM_001379200.1(TBX1):c.1145T>C (p.Leu382Pro)

Gene: TBX1 (T-box transcription factor 1; plus strand). Cytogenetic location: 22q11.21.
Variant type: single nucleotide variant.
Coding change: c.1145T>C on transcript NM_001379200.1 (MANE Select); coding-DNA position 1145, T replaced by C.
Protein change: p.Leu382Pro; replaces leucine 382 with proline.
Molecular consequence: missense variant. On other transcripts: intron variant (2).
Genome position (GRCh38, 1-based): chr22:19,766,497, T>C. VCF-style: chr22-19766497-T-C. GRCh37 (hg19) VCF-style: chr22-19754020-T-C.
Other names: c.1118T>C, p.Leu373Pro (NM_080647.1); c.1009+495T>C (NM_005992.1, NM_080646.2); short protein forms L373P, L382P.
Identifiers: ClinVar variation 1522212 (VCV001522212.8), dbSNP rs2145838313, ClinGen allele CA410684288.

ClinVar aggregate classification (germline): Uncertain significance (1 of 4 stars; one submission).

Conditions:
DiGeorge syndrome. Also called: Catch22; THIRD AND FOURTH PHARYNGEAL POUCH SYNDROME. Identifiers: Orphanet 567, MedGen C0012236, MONDO:0008564, OMIM 188400.

Allele frequency attached by ClinVar (database versions not stated): gnomAD exomes below 0.00001.
gnomAD v4.1: 1 of 1,310,094 alleles (0.000076%); highest among the groups gnomAD compares: Non-Finnish European, 0.000097%; no homozygotes.

Submission:

Labcorp Genetics (formerly Invitae), Labcorp
Classification: Uncertain significance for DiGeorge syndrome. Last evaluated: 2022-10-17. Review status: criteria provided, single submitter. Criteria: Invitae Variant Classification Sherloc (09022015). Collection method: clinical testing. Allele origin: germline.
Comment: In summary, the available evidence is currently insufficient to determine the role of this variant in disease. Therefore, it has been classified as a Variant of Uncertain Significance. Algorithms developed to predict the effect of missense changes on protein structure and function are either unavailable or do not agree on the potential impact of this missense change (SIFT: "Tolerated"; PolyPhen-2: "Possibly Damaging"; Align-GVGD: "Class C0"). ClinVar contains an entry for this variant (Variation ID: 1522212). This variant has not been reported in the literature in individuals affected with TBX1-related conditions. This variant is not present in population databases (gnomAD no frequency). This sequence change replaces leucine, which is neutral and non-polar, with proline, which is neutral and non-polar, at codon 373 of the TBX1 protein (p.Leu373Pro).